The following is an entry in ClinVar:

ClinVar aggregate classification (germline): Likely pathogenic. Review status: criteria provided, multiple submitters, no conflicts (2 of 4 stars). 2 submissions from 2 submitters: Likely pathogenic (2). Last evaluated 2020-10-07.

Conditions:
Dilated cardiomyopathy 1G (CMD1G). Identifiers: Orphanet 154, MedGen C1858763, MONDO:0011400, OMIM 604145.
Autosomal recessive limb-girdle muscular dystrophy type 2J (LGMDR10). Also called: Limb-girdle muscular dystrophy, type 2J; MUSCULAR DYSTROPHY, LIMB-GIRDLE, AUTOSOMAL RECESSIVE 10. Identifiers: Orphanet 140922, MedGen C1837342, MONDO:0012127, OMIM 608807.

Submissions (2):

Revvity Omics, Revvity
Classification: Likely pathogenic. Last evaluated: 2020-10-07. Review status: criteria provided, single submitter. Criteria: ACMG Guidelines, 2015. Collection method: clinical testing. Allele origin: germline.

Labcorp Genetics (formerly Invitae), Labcorp
Classification: Likely pathogenic for Dilated cardiomyopathy 1G; Autosomal recessive limb-girdle muscular dystrophy type 2J. Last evaluated: 2019-08-01. Review status: criteria provided, single submitter. Criteria: Invitae Variant Classification Sherloc (09022015). Collection method: clinical testing. Allele origin: germline.
Comment: In summary, the currently available evidence indicates that the variant is pathogenic, but additional data are needed to prove that conclusively. Therefore, this variant has been classified as Likely Pathogenic. This variant is located in the A band of TTN (PMID: 25589632). Truncating variants in this region are significantly overrepresented in patients affected with dilated cardiomyopathy (PMID: 25589632). Truncating variants in this region have also been reported in individuals affected with autosomal recessive centronuclear myopathy (PMID: 23975875). This variant has not been reported in the literature in individuals with TTN-related conditions. This variant is not present in population databases (ExAC no frequency). This sequence change results in a premature translational stop signal in the TTN gene (p.Asp22082Argfs*2). While this is not anticipated to result in nonsense mediated decay, it is expected to create a truncated TTN protein.

Literature cited by the submitters: PubMed 25589632 (cited by Labcorp Genetics (formerly Invitae), Labcorp); PubMed 23975875 (cited by Labcorp Genetics (formerly Invitae), Labcorp).

NM_001267550.2(TTN):c.66239_66242dup (p.Asp22082fs)

Genes: TTN (titin; minus strand), TTN-AS1 (TTN antisense RNA 1; plus strand). Cytogenetic location: 2q31.2.
Variant type: Duplication.
Coding change: c.66239_66242dup on transcript NM_001267550.2 (MANE Select); coding-DNA positions 66239 to 66242, 4 bases duplicated (CAGA; older notation c.66239_66242dupCAGA).
Protein change: p.Asp22082fs; shifts the reading frame from aspartic acid 22082.
Molecular consequence: frameshift variant.
Genome position (GRCh38, 1-based): chr2:178,582,127-178,582,130, TCTG duplicated on the plus strand (CAGA on the coding strand, the reverse complement: TTN is on the minus strand). VCF-style (leftmost placement, unchanged base first): chr2-178582126-A-ATCTG. GRCh37 (hg19) VCF-style: chr2-179446853-A-ATCTG.
Other names: c.61316_61319dup, p.Asp20441fs (NM_001256850.1); c.39044_39047dup, p.Asp13017fs (NM_003319.4); c.58535_58538dup, p.Asp19514fs (NM_133378.4); c.39419_39422dup, p.Asp13142fs (NM_133432.3); c.39620_39623dup, p.Asp13209fs (NM_133437.4); short protein forms D13209fs, D20441fs, D13017fs, D19514fs, D13142fs, D22082fs.
Identifiers: ClinVar variation 959030 (VCV000959030.13), dbSNP rs2047913995, ClinGen allele CA1139657449.